The following is an entry in ClinVar:

NM_001844.5(COL2A1):c.3703C>A (p.Pro1235Thr)

Gene: COL2A1 (collagen type II alpha 1 chain; minus strand). Cytogenetic location: 12q13.11.
Variant type: single nucleotide variant.
Coding change: c.3703C>A on transcript NM_001844.5 (MANE Select); coding-DNA position 3703, C replaced by A.
Protein change: p.Pro1235Thr; replaces proline 1235 with threonine.
Molecular consequence: missense variant.
Genome position (GRCh38, 1-based): chr12:47,975,500, G>T on the plus strand (C>A on the coding strand, the complement: COL2A1 is on the minus strand). VCF-style: chr12-47975500-G-T. GRCh37 (hg19) VCF-style: chr12-48369283-G-T.
Other names: c.3496C>A, p.Pro1166Thr (NM_033150.3); c.3703C>A (NM_001844.4); short protein forms P1235T, P1166T.
Identifiers: ClinVar variation 1927166 (VCV001927166.7), dbSNP rs1319982290, ClinGen allele CA384536872.

ClinVar aggregate classification (germline): Uncertain significance. Review status: criteria provided, multiple submitters, no conflicts (2 of 4 stars). 3 submissions from 3 submitters: Uncertain significance (3). Last evaluated 2025-10-07.

Conditions:
Inborn genetic diseases. Identifiers: MedGen C0950123, MeSH D030342.

Allele frequency attached by ClinVar (database versions not stated): TOPMed below 0.00001; gnomAD exomes 0.00001.
gnomAD v4.1: 5 of 1,612,888 alleles (0.00031%); highest among the groups gnomAD compares: Admixed American, 0.0083%; no homozygotes.

Submissions (3):

Ambry Genetics
Classification: Uncertain significance for Inborn genetic diseases. Last evaluated: 2025-10-07. Review status: criteria provided, single submitter. Criteria: Ambry Variant Classification Scheme 2023. Collection method: clinical testing. Allele origin: germline.
Comment: The c.3703C>A (p.P1235T) alteration is located in exon 51 (coding exon 51) of the COL2A1 gene. This alteration results from a C to A substitution at nucleotide position 3703, causing the proline (P) at amino acid position 1235 to be replaced by a threonine (T). Based on data from gnomAD, the A allele has an overall frequency of 0.001% (2/250050) total alleles studied. The highest observed frequency was 0.006% (2/34574) of Latino alleles. Based on insufficient or conflicting evidence, the clinical significance of this alteration remains unclear.

Labcorp Genetics (formerly Invitae), Labcorp
Classification: Uncertain significance. Last evaluated: 2025-03-31. Review status: criteria provided, single submitter. Criteria: Invitae Variant Classification Sherloc (09022015). Collection method: clinical testing. Allele origin: germline.
Comment: This sequence change replaces proline, which is neutral and non-polar, with threonine, which is neutral and polar, at codon 1235 of the COL2A1 protein (p.Pro1235Thr). This variant is present in population databases (no rsID available, gnomAD 0.006%). This variant has not been reported in the literature in individuals affected with COL2A1-related conditions. ClinVar contains an entry for this variant (Variation ID: 1927166). Invitae Evidence Modeling of protein sequence and biophysical properties (such as structural, functional, and spatial information, amino acid conservation, physicochemical variation, residue mobility, and thermodynamic stability) has been performed for this missense variant. However, the output from this modeling did not meet the statistical confidence thresholds required to predict the impact of this variant on COL2A1 protein function. In summary, the available evidence is currently insufficient to determine the role of this variant in disease. Therefore, it has been classified as a Variant of Uncertain Significance.

GeneDx
Classification: Uncertain significance. Last evaluated: 2024-01-25. Review status: criteria provided, single submitter. Criteria: GeneDx Variant Classification Process June 2021. Collection method: clinical testing. Allele origin: germline. Affected: yes.
Comment: In silico analysis supports that this missense variant has a deleterious effect on protein structure/function; Has not been previously published as pathogenic or benign to our knowledge